The following is an entry in ClinVar:

ClinVar aggregate classification (germline): Likely pathogenic (1 of 4 stars; one submission).

Conditions:
Holocarboxylase synthetase deficiency. Also called: MULTIPLE CARBOXYLASE DEFICIENCY, EARLY ONSET. Identifiers: Orphanet 79242, MedGen C0268581, MONDO:0009666, OMIM 253270.

Submission:

Juno Genomics, Hangzhou Juno Genomics, Inc
Classification: Likely pathogenic for Holocarboxylase synthetase deficiency. Review status: criteria provided, single submitter. Criteria: ACMG Guidelines, 2015. Collection method: clinical testing. Allele origin: germline.
Comment: Null variant in a gene where loss of function (LOF) is a known mechanism of disease.;Absent from controls (or at extremely low frequency if recessive) in Genome Aggregation Database.

NM_001352514.2(HLCS):c.670A>T (p.Arg224Ter)

Gene: HLCS (holocarboxylase synthetase; minus strand). Cytogenetic location: 21q22.13.
Variant type: single nucleotide variant.
Coding change: c.670A>T on transcript NM_001352514.2 (MANE Select); coding-DNA position 670, A replaced by T.
Protein change: p.Arg224Ter; replaces arginine 224 with a stop codon.
Molecular consequence: nonsense. On other transcripts: non-coding transcript variant (2).
Genome position (GRCh38, 1-based): chr21:36,937,216, T>A on the plus strand (A>T on the coding strand, the complement: HLCS is on the minus strand). VCF-style: chr21-36937216-T-A. GRCh37 (hg19) VCF-style: chr21-38309516-T-A.
Other names: c.229A>T, p.Arg77Ter (NM_000411.8, NM_001242784.3, NM_001242785.2 and 4 more transcripts); short protein forms R77*, R224*.
Identifiers: ClinVar variation 5006416 (VCV005006416.2).
Genomic context (GRCh38, chr21:36,937,216, plus strand): 5'-CAACGGGGCCCCCTCCCCTGTCACTGTCCCCAGCAGGCTCACTCCCAGAGGCACTGCCTC[T>A]CCTTTGTTTGGGTTCTTCACCAAGAGCCTTTGGGTCATCTCTGCCAACATGCTCCATACC-3'